The following is an entry in ClinVar:

ClinVar aggregate classification (germline): Uncertain significance. Review status: criteria provided, multiple submitters, no conflicts (2 of 4 stars). 2 submissions from 2 submitters: Uncertain significance (2). Last evaluated 2026-05-26.

Conditions:
EP300-related disorder. Also called: EP300-related disorders; EP300-related condition.
Inborn genetic diseases. Identifiers: MedGen C0950123, MeSH D030342.

Allele frequency attached by ClinVar (database versions not stated): gnomAD 0.00001; TOPMed 0.00001.
gnomAD v4.1: 7 of 1,614,070 alleles (0.00043%); highest among the groups gnomAD compares: African/African-American, 0.0013%; no homozygotes.

Submissions (2):

PreventionGenetics, part of Exact Sciences
Classification: Uncertain significance for EP300-related condition. Last evaluated: 2026-05-26. Review status: criteria provided, single submitter. Criteria: ACMG Guidelines, 2015. Collection method: clinical testing. Allele origin: germline.
Comment: The EP300 c.605G>T variant is predicted to result in the amino acid substitution p.Arg202Leu. To our knowledge, this variant has not been reported in the literature. This variant is reported in 0.0062% of alleles in individuals of African descent in gnomAD. At this time, the clinical significance of this variant is uncertain due to the absence of conclusive functional and genetic evidence.

Ambry Genetics
Classification: Uncertain significance for Inborn genetic diseases. Last evaluated: 2022-08-26. Review status: criteria provided, single submitter. Criteria: Ambry Variant Classification Scheme 2023. Collection method: clinical testing. Allele origin: germline.

NM_001429.4(EP300):c.605G>T (p.Arg202Leu)

Gene: EP300 (EP300 lysine acetyltransferase; plus strand). Cytogenetic location: 22q13.2.
Variant type: single nucleotide variant.
Coding change: c.605G>T on transcript NM_001429.4 (MANE Select); coding-DNA position 605, G replaced by T.
Protein change: p.Arg202Leu; replaces arginine 202 with leucine.
Molecular consequence: missense variant.
Genome position (GRCh38, 1-based): chr22:41,117,697, G>T. VCF-style: chr22-41117697-G-T. GRCh37 (hg19) VCF-style: chr22-41513701-G-T.
Other names: c.605G>T, p.Arg202Leu (NM_001362843.2); short protein forms R202L.
Identifiers: ClinVar variation 2309074 (VCV002309074.3), dbSNP rs773342339, ClinGen allele CA411681308.
Genomic context (GRCh38, chr22:41,117,697, plus strand): 5'-ATGGACAAGGGATAATGCCTAATCAAGTCATGAACGGTTCAATTGGAGCAGGCCGAGGGC[G>T]ACAGAATATGCAGTACCCAAACCCAGGCATGGGAAGTGCTGGCAACTTACTGACTGAGCC-3'
Protein context (NP_001420.2, residues 192-212): MNGSIGAGRG[Arg202Leu]QNMQYPNPGM